The following is an entry in ClinVar:

NM_004320.6(ATP2A1):c.2462C>G (p.Pro821Arg)

Gene: ATP2A1 (ATPase sarcoplasmic/endoplasmic reticulum Ca2+ transporting 1; plus strand). Cytogenetic location: 16p11.2.
Variant type: single nucleotide variant.
Coding change: c.2462C>G on transcript NM_004320.6 (MANE Select); coding-DNA position 2462, C replaced by G.
Protein change: p.Pro821Arg; replaces proline 821 with arginine.
Molecular consequence: missense variant.
Genome position (GRCh38, 1-based): chr16:28,902,324, C>G. VCF-style: chr16-28902324-C-G. GRCh37 (hg19) VCF-style: chr16-28913645-C-G.
Other names: c.2087C>G, p.Pro696Arg (NM_001286075.2); c.2462C>G, p.Pro821Arg (NM_173201.5); short protein forms P696R, P821R.
Identifiers: ClinVar variation 4888071 (VCV004888071.1).
Genomic context (GRCh38, chr16:28,902,324, plus strand): 5'-GGCTCCCAGCCACAGCCCTGGGCTTCAACCCACCAGACCTGGACATCATGGACCGCCCCC[C>G]CCGGAGCCCCAAGGAGCCCCTCATCAGTGGCTGGCTCTTCTTCCGCTACATGGCAATCGG-3'
Protein context (NP_004311.1, residues 811-831): PPDLDIMDRP[Pro821Arg]RSPKEPLISG

ClinVar aggregate classification (germline): Uncertain significance (1 of 4 stars; one submission).

gnomAD v4.1: 7 of 1,614,136 alleles (0.00043%); highest among the groups gnomAD compares: Non-Finnish European, 0.00059%; no homozygotes.

Submission:

GeneDx
Classification: Uncertain significance. Last evaluated: 2026-03-05. Review status: criteria provided, single submitter. Criteria: GeneDx Variant Classification Process June 2021. Collection method: clinical testing. Allele origin: germline.
Comment: Not observed at significant frequency in large population cohorts (gnomAD); In silico analysis supports that this missense variant has a deleterious effect on protein structure/function; This variant is associated with the following publications: (PMID: 31133750, 35982159, 35982160)